The following is an entry in ClinVar:

NM_020831.6(MRTFA):c.380A>T (p.Lys127Ile)

Gene: MRTFA (myocardin related transcription factor A; minus strand). Cytogenetic location: 22q13.1.
Variant type: single nucleotide variant.
Coding change: c.380A>T on transcript NM_020831.6 (MANE Select); coding-DNA position 380, A replaced by T.
Protein change: p.Lys127Ile; replaces lysine 127 with isoleucine.
Molecular consequence: missense variant.
Genome position (GRCh38, 1-based): chr22:40,431,464, T>A on the plus strand (A>T on the coding strand, the complement: MRTFA is on the minus strand). VCF-style: chr22-40431464-T-A. GRCh37 (hg19) VCF-style: chr22-40827468-T-A.
Other names: c.80A>T, p.Lys27Ile (NM_001282660.2); c.380A>T, p.Lys127Ile (NM_001282661.3, NM_001282662.3); c.185A>T, p.Lys62Ile (NM_001318139.2); short protein forms K127I, K27I, K62I.
Identifiers: ClinVar variation 3644987 (VCV003644987.2).

ClinVar aggregate classification (germline): Uncertain significance (1 of 4 stars; one submission).

gnomAD v4.1: 1 of 1,614,028 alleles (0.000062%); highest among the groups gnomAD compares: Non-Finnish European, 0.000085%; no homozygotes.

Submission:

Labcorp Genetics (formerly Invitae), Labcorp
Classification: Uncertain significance. Last evaluated: 2024-03-13. Review status: criteria provided, single submitter. Criteria: Invitae Variant Classification Sherloc (09022015). Collection method: clinical testing. Allele origin: germline.
Comment: This sequence change replaces lysine, which is basic and polar, with isoleucine, which is neutral and non-polar, at codon 27 of the MKL1 protein (p.Lys27Ile). The frequency data for this variant in the population databases is considered unreliable, as metrics indicate poor data quality at this position in the gnomAD database. This variant has not been reported in the literature in individuals affected with MKL1-related conditions. An algorithm developed to predict the effect of missense changes on protein structure and function (PolyPhen-2) suggests that this variant is likely to be disruptive. In summary, the available evidence is currently insufficient to determine the role of this variant in disease. Therefore, it has been classified as a Variant of Uncertain Significance.